The following is an entry in ClinVar:

ClinVar aggregate classification (germline): Uncertain significance. Review status: criteria provided, multiple submitters, no conflicts (2 of 4 stars). 3 submissions from 3 submitters: Uncertain significance (3). Last evaluated 2026-08-04.

Conditions:
Chronic kidney disease. Identifiers: MedGen C1561643, MONDO:0005300, HP:0012622.
EHHADH-related disorder. Also called: EHHADH-related condition.

Submissions (3):

PreventionGenetics, part of Exact Sciences
Classification: Uncertain significance for EHHADH-related condition. Last evaluated: 2026-08-04. Review status: criteria provided, single submitter. Criteria: ACMG Guidelines, 2015. Collection method: clinical testing. Allele origin: germline.
Comment: The EHHADH c.594_595delCT variant is predicted to result in a frameshift and premature protein termination (p.Cys199Glnfs*15). This variant was reported in an individual with IgA nephropathy (Benson et al. 2020. PubMed ID: 32723786). This variant is reported in 0.014% of alleles in individuals of European (Non-Finnish) descent in gnomAD which is likely too frequent for a disease-causing variant. Although we suspect that this variant may be benign, at this time, the clinical significance of this variant is uncertain due to the absence of conclusive functional and genetic evidence.

Mayo Clinic Laboratories, Mayo Clinic
Classification: Uncertain significance. Last evaluated: 2025-10-02. Review status: criteria provided, single submitter. Criteria: ACMG Guidelines, 2015. Collection method: clinical testing. Allele origin: germline. Observed: 1 variant allele.

Cavalleri Lab, Royal College of Surgeons in Ireland
Classification: Uncertain significance for Chronic kidney disease. Last evaluated: 2020-05-28. Review status: criteria provided, single submitter. Criteria: ACMG Guidelines, 2015. Collection method: research. Allele origin: unknown. Inheritance: Autosomal dominant inheritance. Affected: yes.
Comment: PVS1

Literature cited by the submitters: PubMed 32723786 (cited by Mayo Clinic Laboratories, Mayo Clinic); PubMed 37379307 (cited by Mayo Clinic Laboratories, Mayo Clinic).

NM_001966.4(EHHADH):c.594_595del (p.Cys199fs)

Gene: EHHADH (enoyl-CoA hydratase and 3-hydroxyacyl CoA dehydrogenase; minus strand). Cytogenetic location: 3q27.2.
Variant type: Microsatellite.
Coding change: c.594_595del on transcript NM_001966.4 (MANE Select); coding-DNA positions 594 to 595, 2 bases deleted (CT; older notation c.594_595delCT).
Protein change: p.Cys199fs; shifts the reading frame from cysteine 199.
Molecular consequence: frameshift variant.
Genome position (GRCh38, 1-based): chr3:185,204,731-185,204,732, AG deleted on the plus strand (CT on the coding strand, the reverse complement: EHHADH is on the minus strand); deleting any 2 consecutive bases within chr3:185,204,731-185,204,734 gives the same sequence; the c. name uses the placement nearest the transcript's 3' end. VCF-style (leftmost placement, unchanged base first): chr3-185204730-CAG-C. GRCh37 (hg19) VCF-style: chr3-184922518-CAG-C.
Other names: p.Cys199Glnfs*15; c.594_595delCT (NM_001966.3); c.306_307del, p.Cys103fs (NM_001166415.2); short protein forms C103fs, C199fs.
Identifiers: ClinVar variation 915857 (VCV000915857.4), dbSNP rs781090244, ClinGen allele CA2739167.